The following is an entry in ClinVar:

ClinVar aggregate classification (germline): Uncertain significance. Review status: criteria provided, multiple submitters, no conflicts (2 of 4 stars). 2 submissions from 2 submitters: Uncertain significance (2). Last evaluated 2026-01-18.

Conditions:
Inborn genetic diseases. Identifiers: MedGen C0950123, MeSH D030342.

Allele frequency attached by ClinVar (database versions not stated): gnomAD exomes below 0.00001; ExAC 0.00002; gnomAD 0.00002; TOPMed 0.00003; 1000 Genomes Project 30x 0.00016; 1000 Genomes Project 0.00020.
gnomAD v4.1: 7 of 1,613,916 alleles (0.00043%); highest among the groups gnomAD compares: African/African-American, 0.0067%; no homozygotes.

Submissions (2):

Labcorp Genetics (formerly Invitae), Labcorp
Classification: Uncertain significance. Last evaluated: 2026-01-18. Review status: criteria provided, single submitter. Criteria: Invitae Variant Classification Sherloc (09022015). Collection method: clinical testing. Allele origin: germline.
Comment: This sequence change replaces arginine, which is basic and polar, with glutamine, which is neutral and polar, at codon 3033 of the SPEG protein (p.Arg3033Gln). This variant is present in population databases (rs199980291, gnomAD 0.007%). This variant has not been reported in the literature in individuals affected with SPEG-related conditions. ClinVar contains an entry for this variant (Variation ID: 2076957). An algorithm developed to predict the effect of missense changes on protein structure and function (PolyPhen-2) suggests that this variant is likely to be disruptive. In summary, the available evidence is currently insufficient to determine the role of this variant in disease. Therefore, it has been classified as a Variant of Uncertain Significance.

Ambry Genetics
Classification: Uncertain significance for Inborn genetic diseases. Last evaluated: 2024-05-09. Review status: criteria provided, single submitter. Criteria: Ambry Variant Classification Scheme 2023. Collection method: clinical testing. Allele origin: germline.

NM_005876.5(SPEG):c.9098G>A (p.Arg3033Gln)

Genes: ASIC4-AS1 (ASIC4 antisense RNA 1; minus strand), SPEG (striated muscle enriched protein kinase; plus strand). Cytogenetic location: 2q35.
Variant type: single nucleotide variant.
Coding change: c.9098G>A on transcript NM_005876.5 (MANE Select); coding-DNA position 9098, G replaced by A.
Protein change: p.Arg3033Gln; replaces arginine 3033 with glutamine.
Molecular consequence: missense variant.
Genome position (GRCh38, 1-based): chr2:219,490,585, G>A. VCF-style: chr2-219490585-G-A. GRCh37 (hg19) VCF-style: chr2-220355307-G-A.
Other names: c.9098G>A (NM_005876.4); short protein forms R3033Q.
Identifiers: ClinVar variation 2076957 (VCV002076957.5), dbSNP rs199980291, ClinGen allele CA2127674.